The following is an entry in ClinVar:

NM_015335.5(MED13L):c.401T>C (p.Leu134Pro)

Gene: MED13L (mediator complex subunit 13L; minus strand). Cytogenetic location: 12q24.21.
Variant type: single nucleotide variant.
Coding change: c.401T>C on transcript NM_015335.5 (MANE Select); coding-DNA position 401, T replaced by C.
Protein change: p.Leu134Pro; replaces leucine 134 with proline.
Molecular consequence: missense variant.
Genome position (GRCh38, 1-based): chr12:116,096,747, A>G on the plus strand (T>C on the coding strand, the complement: MED13L is on the minus strand). VCF-style: chr12-116096747-A-G. GRCh37 (hg19) VCF-style: chr12-116534552-A-G.
Other names: short protein forms L134P.
Identifiers: ClinVar variation 574719 (VCV000574719.9), dbSNP rs1565875400, ClinGen allele CA386926948.

ClinVar aggregate classification (germline): Uncertain significance (1 of 4 stars; one submission).

Conditions:
Dextro-looped transposition of the great arteries. Also called: Dextrotransposition of the great arteries. Identifiers: Orphanet 860, MedGen C3531771, MONDO:0019443, OMIM 608808, HP:0031348.

Submission:

Labcorp Genetics (formerly Invitae), Labcorp
Classification: Uncertain significance for Dextro-looped transposition of the great arteries. Last evaluated: 2018-06-14. Review status: criteria provided, single submitter. Criteria: Invitae Variant Classification Sherloc (09022015). Collection method: clinical testing. Allele origin: germline.
Comment: In summary, the available evidence is currently insufficient to determine the role of this variant in disease. Therefore, it has been classified as a Variant of Uncertain Significance. Algorithms developed to predict the effect of missense changes on protein structure and function are either unavailable or do not agree on the potential impact of this missense change (SIFT: "Deleterious"; PolyPhen-2: "Probably Damaging"; Align-GVGD: "Class C0"). This variant has not been reported in the literature in individuals with MED13L-related disease. This variant is not present in population databases (ExAC no frequency). This sequence change replaces leucine with proline at codon 134 of the MED13L protein (p.Leu134Pro). The leucine residue is moderately conserved and there is a moderate physicochemical difference between leucine and proline.